The following is an entry in ClinVar:

ClinVar aggregate classification (germline): Conflicting classifications of pathogenicity; protective. Review status: no assertion criteria provided (0 of 4 stars). 3 submissions from 3 submitters: Uncertain risk allele (1); Benign (1). Last evaluated 2022-06-10.

Conditions:
TLR1-related disorder. Also called: TLR1-related condition.
Leprosy, susceptibility to, 1. Also called: LPRS1; LEPROSY, PAUCIBACILLARY TYPE, SUSCEPTIBILITY TO, 1; Leprosy 1. Identifiers: Orphanet 548, MedGen C1835932, MONDO:0012358, OMIM 609888.
LEPROSY, PROTECTION AGAINST. Identifiers: MedGen C2750734, OMIM 613223.

Allele frequency attached by ClinVar (database versions not stated): gnomAD exomes 0.34418 and 0.52891; ExAC 0.53892; TOPMed 0.57278; gnomAD 0.52313 and 0.50543; 1000 Genomes Project 30x 0.79841; 1000 Genomes Project 0.80052.
gnomAD v4.1: 587,962 of 1,613,828 alleles (36%); highest among the groups gnomAD compares: East Asian, 99%; 158,240 homozygotes.

Submissions (3):

Centro Dermatológico Federico Lleras Acosta, Hospital Universitario Centro Dermatológico Federico Lleras Acosta
Classification: Uncertain risk allele for Leprosy, susceptibility to, 1. Last evaluated: 2022-06-10. Review status: no assertion criteria provided. Collection method: case-control. Allele origin: inherited. Affected: yes.

PreventionGenetics, part of Exact Sciences
Classification: Benign for TLR1-related condition. Last evaluated: 2019-10-17. Review status: no assertion criteria provided. Collection method: clinical testing. Allele origin: germline.
Comment: This variant is classified as benign based on ACMG/AMP sequence variant interpretation guidelines (Richards et al. 2015 PMID: 25741868, with internal and published modifications).

OMIM
Classification: protective for LEPROSY, PROTECTION AGAINST. Last evaluated: 2012-12-01. Review status: no assertion criteria provided. Collection method: literature only. Allele origin: germline.

Literature cited by the submitters: PubMed 17548585 (cited by OMIM); PubMed 18461142 (cited by OMIM); PubMed 23105135 (cited by OMIM); PubMed 26729809 (cited by OMIM).

NM_003263.4(TLR1):c.1805G>T (p.Ser602Ile)

Gene: TLR1 (toll like receptor 1; minus strand). Cytogenetic location: 4p14.
Variant type: single nucleotide variant.
Coding change: c.1805G>T on transcript NM_003263.4 (MANE Select); coding-DNA position 1805, G replaced by T.
Protein change: p.Ser602Ile; replaces serine 602 with isoleucine.
Molecular consequence: missense variant.
Genome position (GRCh38, 1-based): chr4:38,797,027, C>A on the plus strand (G>T on the coding strand, the complement: TLR1 is on the minus strand). VCF-style: chr4-38797027-C-A. GRCh37 (hg19) VCF-style: chr4-38798648-C-A.
Other names: I602S; TLR1, ILE602SER (rs5743618); c.1805G>T (NM_003263.3); short protein forms S602I.
Identifiers: ClinVar variation 8360 (VCV000008360.5), dbSNP rs5743618, ClinGen allele CA119551.